The following is an entry in ClinVar:

NM_002900.3(RBP3):c.3472A>T (p.Met1158Leu)

Gene: RBP3 (retinol binding protein 3; plus strand). Cytogenetic location: 10q11.22.
Variant type: single nucleotide variant.
Coding change: c.3472A>T on transcript NM_002900.3 (MANE Select); coding-DNA position 3472, A replaced by T.
Protein change: p.Met1158Leu; replaces methionine 1158 with leucine.
Molecular consequence: missense variant.
Genome position (GRCh38, 1-based): chr10:47,357,185, A>T. VCF-style: chr10-47357185-A-T. GRCh37 (hg19) VCF-style: chr10-48382177-T-A.
Other names: short protein forms M1158L.
Identifiers: ClinVar variation 1377337 (VCV001377337.6), dbSNP rs782689024, ClinGen allele CA5487038.

ClinVar aggregate classification (germline): Uncertain significance (1 of 4 stars; one submission).

Submission:

Labcorp Genetics (formerly Invitae), Labcorp
Classification: Uncertain significance. Last evaluated: 2022-03-31. Review status: criteria provided, single submitter. Criteria: Invitae Variant Classification Sherloc (09022015). Collection method: clinical testing. Allele origin: germline.
Comment: This sequence change replaces methionine, which is neutral and non-polar, with leucine, which is neutral and non-polar, at codon 1158 of the RBP3 protein (p.Met1158Leu). This variant is present in population databases (rs782689024, gnomAD 0.002%). This variant has not been reported in the literature in individuals affected with RBP3-related conditions. Algorithms developed to predict the effect of missense changes on protein structure and function output the following: SIFT: "Deleterious"; PolyPhen-2: "Benign"; Align-GVGD: "Class C0". The leucine amino acid residue is found in multiple mammalian species, which suggests that this missense change does not adversely affect protein function. In summary, the available evidence is currently insufficient to determine the role of this variant in disease. Therefore, it has been classified as a Variant of Uncertain Significance.